The following is an entry in ClinVar:

ClinVar aggregate classification (germline): Conflicting classifications of pathogenicity. Review status: criteria provided, conflicting classifications (1 of 4 stars). 2 submissions from 2 submitters: Uncertain significance (1); Likely benign (1). Last evaluated 2026-02-06.

Conditions:
RNF2-related disorder. Also called: RNF2-related condition.

Allele frequency attached by ClinVar (database versions not stated): gnomAD exomes 0.00002; TOPMed 0.00003; gnomAD 0.00004; ExAC 0.00007; 1000 Genomes Project 30x 0.00031; 1000 Genomes Project 0.00040.
gnomAD v4.1: 39 of 1,614,090 alleles (0.0024%); highest among the groups gnomAD compares: East Asian, 0.033%; no homozygotes.

Submissions (2):

PreventionGenetics, part of Exact Sciences
Classification: Likely benign for RNF2-related condition. Last evaluated: 2026-02-06. Review status: criteria provided, single submitter. Criteria: ACMG Guidelines, 2015. Collection method: clinical testing. Allele origin: germline.
Comment: This variant is classified as likely benign based on ACMG/AMP sequence variant interpretation guidelines (Richards et al. 2015 PMID: 25741868, with internal and published modifications).

Ambry Genetics
Classification: Uncertain significance. Last evaluated: 2023-05-05. Review status: criteria provided, single submitter. Criteria: Ambry Variant Classification Scheme 2023. Collection method: clinical testing. Allele origin: germline.

NM_007212.4(RNF2):c.821G>A (p.Ser274Asn)

Gene: RNF2 (ring finger protein 2; plus strand). Cytogenetic location: 1q25.3.
Variant type: single nucleotide variant.
Coding change: c.821G>A on transcript NM_007212.4 (MANE Select); coding-DNA position 821, G replaced by A.
Protein change: p.Ser274Asn; replaces serine 274 with asparagine.
Molecular consequence: missense variant.
Genome position (GRCh38, 1-based): chr1:185,099,874, G>A. VCF-style: chr1-185099874-G-A. GRCh37 (hg19) VCF-style: chr1-185069006-G-A.
Other names: short protein forms S274N.
Identifiers: ClinVar variation 2508190 (VCV002508190.3), dbSNP rs202081769, ClinGen allele CA1288880.
Genomic context (GRCh38, chr1:185,099,874, plus strand): 5'-CCACTGTTGATCACTTATCCAAGTATCTGGCTGTGAGGTTAGCTTTAGAAGAACTTCGAA[G>A]CAAAGGTGAATCAAACCAGATGAACCTTGATACAGCCAGTGAGAAGCAGTATACCATTTA-3'
Protein context (NP_009143.1, residues 264-284): AVRLALEELR[Ser274Asn]KGESNQMNLD